The following is an entry in ClinVar:

ClinVar aggregate classification (germline): Uncertain significance (1 of 4 stars; one submission).

gnomAD v4.1: 6 of 1,612,886 alleles (0.00037%); highest among the groups gnomAD compares: Non-Finnish European, 0.00051%; no homozygotes.

Submission:

Labcorp Genetics (formerly Invitae), Labcorp
Classification: Uncertain significance. Last evaluated: 2025-12-26. Review status: criteria provided, single submitter. Criteria: Invitae Variant Classification Sherloc (09022015). Collection method: clinical testing. Allele origin: germline.
Comment: This sequence change replaces asparagine, which is neutral and polar, with aspartic acid, which is acidic and polar, at codon 1037 of the CACNA1E protein (p.Asn1037Asp). This variant is present in population databases (rs765058950, gnomAD 0.004%). This variant has not been reported in the literature in individuals affected with CACNA1E-related conditions. Invitae Evidence Modeling of protein sequence and biophysical properties (such as structural, functional, and spatial information, amino acid conservation, physicochemical variation, residue mobility, and thermodynamic stability) indicates that this missense variant is not expected to disrupt CACNA1E protein function with a negative predictive value of 95%. In summary, the available evidence is currently insufficient to determine the role of this variant in disease. Therefore, it has been classified as a Variant of Uncertain Significance.

NM_001205293.3(CACNA1E):c.3109A>G (p.Asn1037Asp)

Gene: CACNA1E (calcium voltage-gated channel subunit alpha1 E; plus strand). Cytogenetic location: 1q25.3.
Variant type: single nucleotide variant.
Coding change: c.3109A>G on transcript NM_001205293.3 (MANE Select); coding-DNA position 3109, A replaced by G.
Protein change: p.Asn1037Asp; replaces asparagine 1037 with aspartic acid.
Molecular consequence: missense variant.
Genome position (GRCh38, 1-based): chr1:181,733,597, A>G. VCF-style: chr1-181733597-A-G. GRCh37 (hg19) VCF-style: chr1-181702733-A-G.
Other names: c.3109A>G, p.Asn1037Asp (NM_000721.4); c.3052A>G, p.Asn1018Asp (NM_001205294.2); short protein forms N1037D, N1018D.
Identifiers: ClinVar variation 4767144 (VCV004767144.1).